The following is an entry in ClinVar:

ClinVar aggregate classification (germline): Uncertain significance. Review status: criteria provided, multiple submitters, no conflicts (2 of 4 stars). 2 submissions from 2 submitters: Uncertain significance (2). Last evaluated 2024-11-01.

Conditions:
Mitochondrial complex II deficiency, nuclear type 1. Also called: SUCCINATE CoQ REDUCTASE DEFICIENCY. Identifiers: Orphanet 3208, MedGen C5700310, MONDO:0100294, OMIM 252011.
Pheochromocytoma/paraganglioma syndrome 5. Also called: Paragangliomas 5; SDHA-Related Hereditary Paraganglioma-Pheochromocytoma Syndrome. Identifiers: Orphanet 29072, MedGen C3279992, MONDO:0013602, OMIM 614165.
Hereditary cancer-predisposing syndrome. Also called: Tumor predisposition; Hereditary neoplastic syndrome; Neoplastic Syndromes, Hereditary; Hereditary Cancer Syndrome. Identifiers: Orphanet 140162, MedGen C0027672, MeSH D009386, MONDO:0015356.

Submissions (2):

Ambry Genetics
Classification: Uncertain significance for Hereditary cancer-predisposing syndrome. Last evaluated: 2024-11-01. Review status: criteria provided, single submitter. Criteria: Ambry Variant Classification Scheme 2023. Collection method: clinical testing. Allele origin: germline.
Comment: The p.G3W variant (also known as c.7G>T), located in coding exon 1 of the SDHA gene, results from a G to T substitution at nucleotide position 7. The glycine at codon 3 is replaced by tryptophan, an amino acid with highly dissimilar properties. This amino acid position is conserved. In addition, this alteration is predicted to be tolerated by in silico analysis. Based on the available evidence, the clinical significance of this variant remains unclear.

Labcorp Genetics (formerly Invitae), Labcorp
Classification: Uncertain significance for Pheochromocytoma/paraganglioma syndrome 5; Mitochondrial complex II deficiency, nuclear type 1. Last evaluated: 2023-12-30. Review status: criteria provided, single submitter. Criteria: Invitae Variant Classification Sherloc (09022015). Collection method: clinical testing. Allele origin: germline.
Comment: This sequence change replaces glycine, which is neutral and non-polar, with tryptophan, which is neutral and slightly polar, at codon 3 of the SDHA protein (p.Gly3Trp). This variant is not present in population databases (gnomAD no frequency). This variant has not been reported in the literature in individuals affected with SDHA-related conditions. ClinVar contains an entry for this variant (Variation ID: 1046099). Advanced modeling of protein sequence and biophysical properties (such as structural, functional, and spatial information, amino acid conservation, physicochemical variation, residue mobility, and thermodynamic stability) performed at Invitae indicates that this missense variant is not expected to disrupt SDHA protein function with a negative predictive value of 95%. In summary, the available evidence is currently insufficient to determine the role of this variant in disease. Therefore, it has been classified as a Variant of Uncertain Significance.

NM_004168.4(SDHA):c.7G>T (p.Gly3Trp)

Gene: SDHA (succinate dehydrogenase complex flavoprotein subunit A; plus strand). Cytogenetic location: 5p15.33.
Variant type: single nucleotide variant.
Coding change: c.7G>T on transcript NM_004168.4 (MANE Select); coding-DNA position 7, G replaced by T.
Protein change: p.Gly3Trp; replaces glycine 3 with tryptophan.
Molecular consequence: missense variant.
Genome position (GRCh38, 1-based): chr5:218,362, G>T. VCF-style: chr5-218362-G-T. GRCh37 (hg19) VCF-style: chr5-218477-G-T.
Other names: c.7G>T, p.Gly3Trp (NM_001294332.2, NM_001330758.2); c.7G>T (NM_004168.2); short protein forms G3W.
Identifiers: ClinVar variation 1046099 (VCV001046099.10), dbSNP rs756415935, ClinGen allele CA359007247.
Genomic context (GRCh38, chr5:218,362, plus strand): 5'-CGCAGGCGCAGTCTGCGCAGGGACTGGCGGGACTGCGCGGCGGCAACAGCAGACATGTCG[G>T]GGGTCCGGGGCCTGTCGCGGCTGCTGAGCGCTCGGCGCCTGGCGCTGGCCAAGGCGGTGA-3'
Protein context (NP_004159.2, residues 1-13): MS[Gly3Trp]VRGLSRLLSA